The following is an entry in ClinVar:

ClinVar aggregate classification (germline): Likely pathogenic (1 of 4 stars; one submission).

Allele frequency attached by ClinVar (database versions not stated): ExAC 0.00001; gnomAD 0.00001; TOPMed 0.00001.

Submission:

Labcorp Genetics (formerly Invitae), Labcorp
Classification: Likely pathogenic. Last evaluated: 2023-04-26. Review status: criteria provided, single submitter. Criteria: Invitae Variant Classification Sherloc (09022015). Collection method: clinical testing. Allele origin: germline.
Comment: In summary, the currently available evidence indicates that the variant is pathogenic, but additional data are needed to prove that conclusively. Therefore, this variant has been classified as Likely Pathogenic. Algorithms developed to predict the effect of sequence changes on RNA splicing suggest that this variant may disrupt the consensus splice site. This variant has not been reported in the literature in individuals affected with EIF2B2-related conditions. This variant is present in population databases (rs760542683, gnomAD 0.003%). This sequence change affects a donor splice site in intron 1 of the EIF2B2 gene. It is expected to disrupt RNA splicing. Variants that disrupt the donor or acceptor splice site typically lead to a loss of protein function (PMID: 16199547), and loss-of-function variants in EIF2B2 are known to be pathogenic (PMID: 11704758, 12707859).

Literature cited by the submitters: PubMed 16199547; PubMed 11704758; PubMed 12707859.

NM_014239.4(EIF2B2):c.163+1G>A

Gene: EIF2B2 (eukaryotic translation initiation factor 2B subunit beta; plus strand). Cytogenetic location: 14q24.3.
Variant type: single nucleotide variant.
Coding change: c.163+1G>A on transcript NM_014239.4 (MANE Select); the canonical splice donor site of the intron after coding-DNA position 163, G replaced by A.
Molecular consequence: splice donor variant.
Genome position (GRCh38, 1-based): chr14:75,003,154, G>A. VCF-style: chr14-75003154-G-A. GRCh37 (hg19) VCF-style: chr14-75469857-G-A.
Identifiers: ClinVar variation 2882070 (VCV002882070.3), dbSNP rs760542683, ClinGen allele CA7274800.